The following is an entry in ClinVar:

ClinVar aggregate classification (germline): Uncertain significance (1 of 4 stars; one submission).

Allele frequency attached by ClinVar (database versions not stated): gnomAD exomes below 0.00001; ExAC 0.00001.
gnomAD v4.1: 1 of 1,572,750 alleles (0.000064%); highest among the groups gnomAD compares: Non-Finnish European, 0.000086%; no homozygotes.

Submission:

Labcorp Genetics (formerly Invitae), Labcorp
Classification: Uncertain significance. Last evaluated: 2021-04-23. Review status: criteria provided, single submitter. Criteria: Invitae Variant Classification Sherloc (09022015). Collection method: clinical testing. Allele origin: germline.
Comment: This variant has not been reported in the literature in individuals with PYROXD1-related conditions. In summary, the available evidence is currently insufficient to determine the role of this variant in disease. Therefore, it has been classified as a Variant of Uncertain Significance. Algorithms developed to predict the effect of missense changes on protein structure and function are either unavailable or do not agree on the potential impact of this missense change (SIFT: "Deleterious"; PolyPhen-2: "Probably Damaging"; Align-GVGD: "Class C0"). The frequency data for this variant in the population databases is considered unreliable, as metrics indicate poor data quality at this position in the ExAC database. This sequence change replaces aspartic acid with tyrosine at codon 186 of the PYROXD1 protein (p.Asp186Tyr). The aspartic acid residue is highly conserved and there is a large physicochemical difference between aspartic acid and tyrosine.

NM_024854.5(PYROXD1):c.556G>T (p.Asp186Tyr)

Gene: PYROXD1 (pyridine nucleotide-disulphide oxidoreductase domain 1; plus strand). Cytogenetic location: 12p12.1.
Variant type: single nucleotide variant.
Coding change: c.556G>T on transcript NM_024854.5 (MANE Select); coding-DNA position 556, G replaced by T.
Protein change: p.Asp186Tyr; replaces aspartic acid 186 with tyrosine.
Molecular consequence: missense variant. On other transcripts: 5 prime UTR variant (1).
Genome position (GRCh38, 1-based): chr12:21,455,199, G>T. VCF-style: chr12-21455199-G-T. GRCh37 (hg19) VCF-style: chr12-21608133-G-T.
Other names: c.343G>T, p.Asp115Tyr (NM_001350912.2); c.-222G>T (NM_001350913.2); short protein forms D115Y, D186Y.
Identifiers: ClinVar variation 1423426 (VCV001423426.8), dbSNP rs751605635, ClinGen allele CA6478258.